The following is an entry in ClinVar:

ClinVar aggregate classification (germline): Uncertain significance (1 of 4 stars; one submission).

Submission:

Labcorp Genetics (formerly Invitae), Labcorp
Classification: Uncertain significance. Last evaluated: 2020-02-22. Review status: criteria provided, single submitter. Criteria: Invitae Variant Classification Sherloc (09022015). Collection method: clinical testing. Allele origin: germline.
Comment: In summary, the available evidence is currently insufficient to determine the role of this variant in disease. Therefore, it has been classified as a Variant of Uncertain Significance. Algorithms developed to predict the effect of missense changes on protein structure and function are either unavailable or do not agree on the potential impact of this missense change (SIFT: "Deleterious"; PolyPhen-2: "Probably Damaging"; Align-GVGD: "Class C0"). This variant has not been reported in the literature in individuals with GNAT2-related conditions. This variant is not present in population databases (ExAC no frequency). This sequence change replaces lysine with asparagine at codon 345 of the GNAT2 protein (p.Lys345Asn). The lysine residue is highly conserved and there is a moderate physicochemical difference between lysine and asparagine.

NM_001377295.2(GNAT2):c.1035A>C (p.Lys345Asn)

Gene: GNAT2 (G protein subunit alpha transducin 2; minus strand). Cytogenetic location: 1p13.3.
Variant type: single nucleotide variant.
Coding change: c.1035A>C on transcript NM_001377295.2 (MANE Select); coding-DNA position 1035, A replaced by C.
Protein change: p.Lys345Asn; replaces lysine 345 with asparagine.
Molecular consequence: missense variant.
Genome position (GRCh38, 1-based): chr1:109,603,384, T>G on the plus strand (A>C on the coding strand, the complement: GNAT2 is on the minus strand). VCF-style: chr1-109603384-T-G. GRCh37 (hg19) VCF-style: chr1-110146006-T-G.
Other names: c.1035A>C, p.Lys345Asn (NM_001379232.1, NM_005272.5); short protein forms K345N.
Identifiers: ClinVar variation 1052232 (VCV001052232.5), dbSNP rs2101121104, ClinGen allele CA341531190.